The following is an entry in ClinVar:

ClinVar aggregate classification (germline): Uncertain significance (1 of 4 stars; one submission).

Submission:

Labcorp Genetics (formerly Invitae), Labcorp
Classification: Uncertain significance. Last evaluated: 2025-06-18. Review status: criteria provided, single submitter. Criteria: Invitae Variant Classification Sherloc (09022015). Collection method: clinical testing. Allele origin: germline.
Comment: This sequence change falls in intron 4 of the JAK1 gene. It does not directly change the encoded amino acid sequence of the JAK1 protein. It affects a nucleotide within the consensus splice site. This variant is not present in population databases (gnomAD no frequency). This variant has not been reported in the literature in individuals affected with JAK1-related conditions. Variants that disrupt the consensus splice site are a relatively common cause of aberrant splicing (PMID: 17576681, 9536098). Algorithms developed to predict the effect of sequence changes on RNA splicing suggest that this variant is not likely to affect RNA splicing. In summary, the available evidence is currently insufficient to determine the role of this variant in disease. Therefore, it has been classified as a Variant of Uncertain Significance.

Literature cited by the submitters: PubMed 17576681; PubMed 9536098.

NM_002227.4(JAK1):c.329+5G>A

Gene: JAK1 (Janus kinase 1; minus strand). Cytogenetic location: 1p31.3.
Variant type: single nucleotide variant.
Coding change: c.329+5G>A on transcript NM_002227.4 (MANE Select); 5 bases into the intron after coding-DNA position 329, G replaced by A.
Molecular consequence: intron variant.
Genome position (GRCh38, 1-based): chr1:64,879,020, C>T on the plus strand (G>A on the coding strand, the complement: JAK1 is on the minus strand). VCF-style: chr1-64879020-C-T. GRCh37 (hg19) VCF-style: chr1-65344703-C-T.
Other names: c.329+5G>A (NM_001321852.2, NM_001321854.2, NM_001321853.2 and 4 more transcripts).
Identifiers: ClinVar variation 4707756 (VCV004707756.1).